The following is an entry in ClinVar:

NM_032601.4(MCEE):c.*13del

Gene: MCEE (methylmalonyl-CoA epimerase; minus strand). Cytogenetic location: 2p13.3.
Variant type: Deletion.
Coding change: c.*13del on transcript NM_032601.4 (MANE Select); 13 bases downstream of the stop codon, one base deleted (A; older notation c.*13delA).
Molecular consequence: 3 prime UTR variant.
Genome position (GRCh38, 1-based): chr2:71,109,957, T deleted on the plus strand (A on the coding strand, the reverse complement: MCEE is on the minus strand); the first of 2 consecutive T bases (chr2:71,109,957-71,109,958); deleting either gives the same sequence. VCF-style (leftmost placement, unchanged base first): chr2-71109956-CT-C. GRCh37 (hg19) VCF-style: chr2-71337086-CT-C.
Identifiers: ClinVar variation 420889 (VCV000420889.1), dbSNP rs764526106, ClinGen allele CA1702557.

ClinVar aggregate classification (germline): Likely benign (1 of 4 stars; one submission).

Submission:

GeneDx
Classification: Likely benign. Last evaluated: 2016-05-04. Review status: criteria provided, single submitter. Criteria: GeneDx Variant Classification (06012015). Collection method: clinical testing. Allele origin: germline. Affected: yes.
Comment: This variant is considered likely benign or benign based on one or more of the following criteria: it is a conservative change, it occurs at a poorly conserved position in the protein, it is predicted to be benign by multiple in silico algorithms, and/or has population frequency not consistent with disease.